The following is an entry in ClinVar:

ClinVar aggregate classification (germline): Likely benign. Review status: criteria provided, multiple submitters, no conflicts (2 of 4 stars). 3 submissions from 3 submitters: Likely benign (3). Last evaluated 2026-08-01.

Allele frequency attached by ClinVar (database versions not stated): 1000 Genomes Project 30x 0.00047; 1000 Genomes Project 0.00060; ESP Exome Variant Server 0.00077; gnomAD 0.00086; TOPMed 0.00090; ExAC 0.00095; gnomAD exomes 0.00101 and 0.00178.
gnomAD v4.1: 2,687 of 1,611,380 alleles (0.17%); highest among the groups gnomAD compares: Non-Finnish European, 0.21%; 4 homozygotes.

Submissions (3):

CeGaT Center for Human Genetics Tuebingen
Classification: Likely benign. Last evaluated: 2026-08-01. Review status: criteria provided, single submitter. Criteria: CeGaT Center For Human Genetics Tuebingen Variant Classification Criteria Version 2. Collection method: clinical testing. Allele origin: germline. Affected: yes. Observed: 1 variant allele.
Comment: KLF13: BP4, BP7

Labcorp Genetics (formerly Invitae), Labcorp
Classification: Likely benign. Last evaluated: 2018-08-20. Review status: criteria provided, single submitter. Criteria: Invitae Variant Classification Sherloc (09022015). Collection method: clinical testing. Allele origin: germline.

Breakthrough Genomics
Classification: Likely benign. Review status: criteria provided, single submitter. Criteria: ACMG Guidelines, 2015. Collection method: not provided. Allele origin: germline. Inheritance: Unknown mechanism. Affected: yes.

NM_015995.4(KLF13):c.624C>T (p.Phe208=)

Gene: KLF13 (KLF transcription factor 13; plus strand). Cytogenetic location: 15q13.3.
Variant type: single nucleotide variant.
Coding change: c.624C>T on transcript NM_015995.4 (MANE Select); coding-DNA position 624, C replaced by T.
Protein change: p.Phe208=; no amino-acid change (phenylalanine 208 retained).
Molecular consequence: synonymous variant. On other transcripts: intron variant (1).
Genome position (GRCh38, 1-based): chr15:31,372,056, C>T. VCF-style: chr15-31372056-C-T. GRCh37 (hg19) VCF-style: chr15-31664259-C-T.
Other names: c.577+44267C>T (NM_001302461.2).
Identifiers: ClinVar variation 788738 (VCV000788738.5), dbSNP rs144180630, ClinGen allele CA7453319.
Genomic context (GRCh38, chr15:31,372,056, plus strand): 5'-CCCTGTGCCCACAGGTGAGAGGCCCTTCGCCTGCAGCTGGCAGGACTGCAACAAGAAGTT[C>T]GCGCGCTCCGACGAGCTGGCGCGGCACTACCGCACACACACGGGCGAGAAGAAGTTCAGC-3'
Protein context (NP_057079.2, residues 198-218): ACSWQDCNKK[Phe208=]ARSDELARHY